The following is an entry in ClinVar:

ClinVar aggregate classification (germline): Conflicting classifications of pathogenicity. Review status: criteria provided, conflicting classifications (1 of 4 stars). 2 submissions from 2 submitters: Uncertain significance (1); Likely benign (1). Last evaluated 2024-11-02.

Conditions:
DICER1-related tumor predisposition. Also called: DICER1-related pleuropulmonary blastoma cancer predisposition syndrome; DICER1 syndrome. Identifiers: Orphanet 284343, MedGen C3839822, MONDO:0100216.
Hereditary cancer-predisposing syndrome. Also called: Neoplastic Syndromes, Hereditary; Hereditary neoplastic syndrome; Tumor predisposition; Hereditary Cancer Syndrome. Identifiers: Orphanet 140162, MedGen C0027672, MeSH D009386, MONDO:0015356.

Allele frequency attached by ClinVar (database versions not stated): gnomAD below 0.00001 and 0.00001; gnomAD exomes 0.00003; ExAC 0.00004.
gnomAD v4.1: 24 of 1,614,060 alleles (0.0015%); highest among the groups gnomAD compares: South Asian, 0.024%; 1 homozygote.

Submissions (2):

Labcorp Genetics (formerly Invitae), Labcorp
Classification: Uncertain significance for DICER1-related tumor predisposition. Last evaluated: 2024-11-02. Review status: criteria provided, single submitter. Criteria: Invitae Variant Classification Sherloc (09022015). Collection method: clinical testing. Allele origin: germline.
Comment: This sequence change replaces threonine, which is neutral and polar, with alanine, which is neutral and non-polar, at codon 1606 of the DICER1 protein (p.Thr1606Ala). This variant is present in population databases (rs767907056, gnomAD 0.02%). This variant has not been reported in the literature in individuals affected with DICER1-related conditions. ClinVar contains an entry for this variant (Variation ID: 837689). Invitae Evidence Modeling of protein sequence and biophysical properties (such as structural, functional, and spatial information, amino acid conservation, physicochemical variation, residue mobility, and thermodynamic stability) indicates that this missense variant is not expected to disrupt DICER1 protein function with a negative predictive value of 95%. In summary, the available evidence is currently insufficient to determine the role of this variant in disease. Therefore, it has been classified as a Variant of Uncertain Significance.

Ambry Genetics
Classification: Likely benign for Hereditary cancer-predisposing syndrome. Last evaluated: 2020-09-29. Review status: criteria provided, single submitter. Criteria: Ambry Variant Classification Scheme 2023. Collection method: clinical testing. Allele origin: germline.

NM_177438.3(DICER1):c.4816A>G (p.Thr1606Ala)

Gene: DICER1 (dicer 1, ribonuclease III; minus strand). Cytogenetic location: 14q32.13.
Variant type: single nucleotide variant.
Coding change: c.4816A>G on transcript NM_177438.3 (MANE Select); coding-DNA position 4816, A replaced by G.
Protein change: p.Thr1606Ala; replaces threonine 1606 with alanine.
Molecular consequence: missense variant.
Genome position (GRCh38, 1-based): chr14:95,096,104, T>C on the plus strand (A>G on the coding strand, the complement: DICER1 is on the minus strand). VCF-style: chr14-95096104-T-C. GRCh37 (hg19) VCF-style: chr14-95562441-T-C.
Other names: c.4816A>G, p.Thr1606Ala (NM_001195573.1, NM_001271282.3, NM_001291628.2 and 1 more transcripts); short protein forms T1606A.
Identifiers: ClinVar variation 837689 (VCV000837689.10), dbSNP rs767907056, ClinGen allele CA7330792.
Genomic context (GRCh38, chr14:95,096,104, plus strand): 5'-CAGAAGCAGCAGCACAGCTCACTGAAAGGTTCTTTTGTTGGCTGTTGAAATTCTCCCGAG[T>C]AGGGCACAGGGCCTTTTCCCGATCAGTCCTTTTAATTACCGGGAGCACCTTCAGCCCCAG-3'
Protein context (NP_803187.1, residues 1596-1616): RTDREKALCP[Thr1606Ala]RENFNSQQKN